The following is an entry in ClinVar:

ClinVar aggregate classification (germline): Uncertain significance. Review status: criteria provided, multiple submitters, no conflicts (2 of 4 stars). 2 submissions from 2 submitters: Uncertain significance (2). Last evaluated 2026-02-05.

Conditions:
LAMA2-related muscular dystrophy (LAMA2-RD). Also called: Laminin alpha 2-related dystrophy. Identifiers: MedGen C5679788, MONDO:0100228.

gnomAD v4.1: 7 of 1,612,932 alleles (0.00043%); highest among the groups gnomAD compares: African/African-American, 0.0067%; no homozygotes.

Submissions (2):

GeneDx
Classification: Uncertain significance. Last evaluated: 2026-02-05. Review status: criteria provided, single submitter. Criteria: GeneDx Variant Classification Process June 2021. Collection method: clinical testing. Allele origin: germline.
Comment: Not observed at significant frequency in large population cohorts (gnomAD); In silico analysis supports that this missense variant has a deleterious effect on protein structure/function; Has not been previously published as pathogenic or benign to our knowledge

Labcorp Genetics (formerly Invitae), Labcorp
Classification: Uncertain significance for LAMA2-related muscular dystrophy. Last evaluated: 2022-04-26. Review status: criteria provided, single submitter. Criteria: Invitae Variant Classification Sherloc (09022015). Collection method: clinical testing. Allele origin: germline.
Comment: This sequence change replaces aspartic acid, which is acidic and polar, with tyrosine, which is neutral and polar, at codon 1837 of the LAMA2 protein (p.Asp1837Tyr). This variant is present in population databases (no rsID available, gnomAD 0.01%). This variant has not been reported in the literature in individuals affected with LAMA2-related conditions. Advanced modeling of protein sequence and biophysical properties (such as structural, functional, and spatial information, amino acid conservation, physicochemical variation, residue mobility, and thermodynamic stability) performed at Invitae indicates that this missense variant is not expected to disrupt LAMA2 protein function. In summary, the available evidence is currently insufficient to determine the role of this variant in disease. Therefore, it has been classified as a Variant of Uncertain Significance.

NM_000426.4(LAMA2):c.5509G>T (p.Asp1837Tyr)

Gene: LAMA2 (laminin subunit alpha 2; plus strand). Cytogenetic location: 6q22.33.
Variant type: single nucleotide variant.
Coding change: c.5509G>T on transcript NM_000426.4 (MANE Select); coding-DNA position 5509, G replaced by T.
Protein change: p.Asp1837Tyr; replaces aspartic acid 1837 with tyrosine.
Molecular consequence: missense variant.
Genome position (GRCh38, 1-based): chr6:129,401,287, G>T. VCF-style: chr6-129401287-G-T. GRCh37 (hg19) VCF-style: chr6-129722432-G-T.
Other names: c.5509G>T, p.Asp1837Tyr (NM_001079823.2); short protein forms D1837Y.
Identifiers: ClinVar variation 2153496 (VCV002153496.2), dbSNP rs749423866, ClinGen allele CA365615315.